The following is an entry in ClinVar:

ClinVar aggregate classification (germline): Likely benign (0 of 4 stars; one submission).

Conditions:
SPATA13-related disorder. Also called: SPATA13-related condition.

Allele frequency attached by ClinVar (database versions not stated): TOPMed below 0.00001; gnomAD 0.00008; gnomAD exomes 0.00014; ExAC 0.00031; 1000 Genomes Project 30x 0.00062; 1000 Genomes Project 0.00080.
gnomAD v4.1: 216 of 1,607,750 alleles (0.013%); highest among the groups gnomAD compares: South Asian, 0.23%; 2 homozygotes.

Submission:

PreventionGenetics, part of Exact Sciences
Classification: Likely benign for SPATA13-related condition. Last evaluated: 2019-04-18. Review status: no assertion criteria provided. Collection method: clinical testing. Allele origin: germline.
Comment: This variant is classified as likely benign based on ACMG/AMP sequence variant interpretation guidelines (Richards et al. 2015 PMID: 25741868, with internal and published modifications).

NM_001166271.3(SPATA13):c.3216G>A (p.Leu1072=)

Gene: SPATA13 (spermatogenesis associated 13; plus strand). Cytogenetic location: 13q12.12.
Variant type: single nucleotide variant.
Coding change: c.3216G>A on transcript NM_001166271.3 (MANE Select); coding-DNA position 3216, G replaced by A.
Protein change: p.Leu1072=; no amino-acid change (leucine 1072 retained).
Molecular consequence: synonymous variant.
Genome position (GRCh38, 1-based): chr13:24,297,368, G>A. VCF-style: chr13-24297368-G-A. GRCh37 (hg19) VCF-style: chr13-24871506-G-A.
Other names: c.3402G>A, p.Leu1134= (NM_001286792.2); c.921G>A, p.Leu307= (NM_001286793.2); c.1173G>A, p.Leu391= (NM_001286794.2); c.1107G>A, p.Leu369= (NM_001286795.2); c.1341G>A, p.Leu447= (NM_153023.4).
Identifiers: ClinVar variation 3051706 (VCV003051706.2), dbSNP rs577073449, ClinGen allele CA6914485.